The following is an entry in ClinVar:

ClinVar aggregate classification (germline): Uncertain significance (1 of 4 stars; one submission).

Submission:

Women's Health and Genetics/Laboratory Corporation of America, LabCorp
Classification: Uncertain significance. Last evaluated: 2022-07-15. Review status: criteria provided, single submitter. Criteria: LabCorp Variant Classification Summary - May 2015. Collection method: clinical testing. Allele origin: germline.
Comment: Variant summary: RAB23 c.1A>C (p.Met1Leu) alters the initiation codon and is predicted to result either in absence of the protein or truncation of the encoded protein due to translation initiation at a downstream codon. The next potential initiation codon is located 5 amino acids downstream of the original initiation codon. Functional studies have shown that start re-initiation can be very robust occurring at alternate ATG or non-ATG sites downstream and even upstream of the lost original start site (Bazykin & Kochetov, 2011; Drabkin & RajBhandary, 1998; Lee et al., 2012; Na et al., 2018; Starck et al., 2012; Wan & Qian, 2014; Zur & Tuller, 2013). Four of four in-silico tools predict a benign effect of the variant on protein function. The variant was absent in 251274 control chromosomes. The available data on variant occurrences in the general population are insufficient to allow any conclusion about variant significance. To our knowledge, no occurrence of c.1A>C in individuals affected with Carpenter Syndrome - Type 1 and no experimental evidence demonstrating its impact on protein function have been reported. No clinical diagnostic laboratories have submitted clinical-significance assessments for this variant to ClinVar after 2014. Based on the evidence outlined above, the variant was classified as uncertain significance.

NM_016277.5(RAB23):c.1A>C (p.Met1Leu)

Gene: RAB23 (RAB23, member RAS oncogene family; minus strand). Cytogenetic location: 6p11.2.
Variant type: single nucleotide variant.
Coding change: c.1A>C on transcript NM_016277.5 (MANE Select); coding-DNA position 1, A replaced by C.
Protein change: p.Met1Leu; changes the start codon (methionine 1).
Molecular consequence: missense variant, initiator codon variant. On other transcripts: non-coding transcript variant (1).
Genome position (GRCh38, 1-based): chr6:57,210,380, T>G on the plus strand (A>C on the coding strand, the complement: RAB23 is on the minus strand). VCF-style: chr6-57210380-T-G. GRCh37 (hg19) VCF-style: chr6-57075178-T-G.
Other names: c.1A>C, p.Met1Leu (NM_001278666.2, NM_001278667.2, NM_001278668.2 and 1 more transcripts); short protein forms M1L.
Identifiers: ClinVar variation 1704629 (VCV001704629.2), dbSNP rs2533224096, ClinGen allele CA364627171.